The following is an entry in ClinVar:

ClinVar aggregate classification (germline): Likely benign (1 of 4 stars; one submission).

gnomAD v4.1: 1 of 1,614,054 alleles (0.000062%); highest among the groups gnomAD compares: Non-Finnish European, 0.000085%; no homozygotes.

Submission:

GeneDx
Classification: Likely benign. Last evaluated: 2017-02-09. Review status: criteria provided, single submitter. Criteria: GeneDx Variant Classification (06012015). Collection method: clinical testing. Allele origin: germline. Affected: yes.
Comment: This variant is considered likely benign or benign based on one or more of the following criteria: it is a conservative change, it occurs at a poorly conserved position in the protein, it is predicted to be benign by multiple in silico algorithms, and/or has population frequency not consistent with disease.

NM_000257.4(MYH7):c.3753C>G (p.Thr1251=)

Gene: MYH7 (myosin heavy chain 7; minus strand). Cytogenetic location: 14q11.2.
Variant type: single nucleotide variant.
Coding change: c.3753C>G on transcript NM_000257.4 (MANE Select); coding-DNA position 3753, C replaced by G.
Protein change: p.Thr1251=; no amino-acid change (threonine 1251 retained).
Molecular consequence: synonymous variant.
Genome position (GRCh38, 1-based): chr14:23,419,583, G>C on the plus strand (C>G on the coding strand, the complement: MYH7 is on the minus strand). VCF-style: chr14-23419583-G-C. GRCh37 (hg19) VCF-style: chr14-23888792-G-C.
Other names: c.3753C>G (LRG_384t1).
Identifiers: ClinVar variation 507192 (VCV000507192.1), dbSNP rs375948999, ClinGen allele CA485766414.